The following is an entry in ClinVar:

NM_000089.4(COL1A2):c.2939A>T (p.Glu980Val)

Gene: COL1A2 (collagen type I alpha 2 chain; plus strand). Cytogenetic location: 7q21.3.
Variant type: single nucleotide variant.
Coding change: c.2939A>T on transcript NM_000089.4 (MANE Select); coding-DNA position 2939, A replaced by T.
Protein change: p.Glu980Val; replaces glutamic acid 980 with valine.
Molecular consequence: missense variant.
Genome position (GRCh38, 1-based): chr7:94,425,853, A>T. VCF-style: chr7-94425853-A-T. GRCh37 (hg19) VCF-style: chr7-94055165-A-T.
Other names: short protein forms E980V.
Identifiers: ClinVar variation 4987312 (VCV004987312.1).

ClinVar aggregate classification (germline): Uncertain significance (1 of 4 stars; one submission).

Conditions:
COL1A2-related disorder. Also called: COL1A2-related condition; COL1A2-Related Disorders.

Submission:

PreventionGenetics, part of Exact Sciences
Classification: Uncertain significance for COL1A2-related condition. Last evaluated: 2025-03-14. Review status: criteria provided, single submitter. Criteria: ACMG Guidelines, 2015. Collection method: clinical testing. Allele origin: germline.
Comment: The COL1A2 c.2939A>T variant is predicted to result in the amino acid substitution p.Glu980Val. To our knowledge, this variant has not been reported in the literature or in a large population database (gnomAD), indicating this variant is rare. At this time, the clinical significance of this variant is uncertain due to the absence of conclusive functional and genetic evidence.